The following is an entry in ClinVar:

NM_182961.4(SYNE1):c.4121G>A (p.Ser1374Asn)

Gene: SYNE1 (spectrin repeat containing nuclear envelope protein 1; minus strand). Cytogenetic location: 6q25.2.
Variant type: single nucleotide variant.
Coding change: c.4121G>A on transcript NM_182961.4 (MANE Select); coding-DNA position 4121, G replaced by A.
Protein change: p.Ser1374Asn; replaces serine 1374 with asparagine.
Molecular consequence: missense variant.
Genome position (GRCh38, 1-based): chr6:152,441,158, C>T on the plus strand (G>A on the coding strand, the complement: SYNE1 is on the minus strand). VCF-style: chr6-152441158-C-T. GRCh37 (hg19) VCF-style: chr6-152762293-C-T.
Other names: c.4142G>A, p.Ser1381Asn (NM_033071.5); short protein forms S1374N, S1381N.
Identifiers: ClinVar variation 471044 (VCV000471044.6), dbSNP rs1554707111, ClinGen allele CA366145727.

ClinVar aggregate classification (germline): Uncertain significance (1 of 4 stars; one submission).

Conditions:
Emery-Dreifuss muscular dystrophy 4, autosomal dominant (EDMD4). Also called: EMERY-DREIFUSS MUSCULAR DYSTROPHY 4 WITH VARIABLE FEATURES. Identifiers: Orphanet 261, MedGen C2751807, MONDO:0013071, OMIM 612998.
Autosomal recessive ataxia, Beauce type. Also called: SYNE1-Related Autosomal Recessive Cerebellar Ataxia; Spinocerebellar ataxia, autosomal recessive 8; ATAXIA, RECESSIVE, OF BEAUCE; SYNE1 Deficiency. Identifiers: Orphanet 88644, MedGen C1853116, MONDO:0012549, OMIM 610743.

Allele frequency attached by ClinVar (database versions not stated): gnomAD exomes below 0.00001.
gnomAD v4.1: 1 of 1,613,640 alleles (0.000062%); highest among the groups gnomAD compares: Admixed American, 0.0017%; no homozygotes.

Submission:

Labcorp Genetics (formerly Invitae), Labcorp
Classification: Uncertain significance for Emery-Dreifuss muscular dystrophy 4, autosomal dominant; Autosomal recessive ataxia, Beauce type. Last evaluated: 2022-02-05. Review status: criteria provided, single submitter. Criteria: Invitae Variant Classification Sherloc (09022015). Collection method: clinical testing. Allele origin: germline.
Comment: This sequence change replaces serine, which is neutral and polar, with asparagine, which is neutral and polar, at codon 1381 of the SYNE1 protein (p.Ser1381Asn). This variant is not present in population databases (gnomAD no frequency). This variant has not been reported in the literature in individuals affected with SYNE1-related conditions. ClinVar contains an entry for this variant (Variation ID: 471044). Algorithms developed to predict the effect of missense changes on protein structure and function are either unavailable or do not agree on the potential impact of this missense change (SIFT: "Deleterious"; PolyPhen-2: "Probably Damaging"; Align-GVGD: "Class C0"). In summary, the available evidence is currently insufficient to determine the role of this variant in disease. Therefore, it has been classified as a Variant of Uncertain Significance.